The following is an entry in ClinVar:

ClinVar aggregate classification (germline): Uncertain significance. Review status: criteria provided, single submitter (1 of 4 stars). 2 submissions from 2 submitters: Uncertain significance (1). 1 of the submissions does not count toward it. Last evaluated 2024-01-09.

Conditions:
Inborn genetic diseases. Identifiers: MedGen C0950123, MeSH D030342.
DNAH17-related disorder. Also called: DNAH17-related condition.

Allele frequency attached by ClinVar (database versions not stated): ESP Exome Variant Server 0.00046; gnomAD exomes 0.00048; gnomAD 0.00075; TOPMed 0.00084; 1000 Genomes Project 30x 0.00156; 1000 Genomes Project 0.00160; ExAC 0.00194.
gnomAD v4.1: 835 of 1,596,834 alleles (0.052%); highest among the groups gnomAD compares: South Asian, 0.41%; 7 homozygotes.

Submissions (2):

Ambry Genetics
Classification: Uncertain significance for Inborn genetic diseases. Last evaluated: 2024-01-09. Review status: criteria provided, single submitter. Criteria: Ambry Variant Classification Scheme 2023. Collection method: clinical testing. Allele origin: germline.

PreventionGenetics, part of Exact Sciences
Classification: Benign for DNAH17-related condition. Last evaluated: 2019-05-03. Review status: no assertion criteria provided. Collection method: clinical testing. Allele origin: germline. Not counted in ClinVar's aggregate classification.
Comment: This variant is classified as benign based on ACMG/AMP sequence variant interpretation guidelines (Richards et al. 2015 PMID: 25741868, with internal and published modifications).

NM_173628.4(DNAH17):c.1006G>A (p.Val336Ile)

Gene: DNAH17 (dynein axonemal heavy chain 17; minus strand). Cytogenetic location: 17q25.3.
Variant type: single nucleotide variant.
Coding change: c.1006G>A on transcript NM_173628.4 (MANE Select); coding-DNA position 1006, G replaced by A.
Protein change: p.Val336Ile; replaces valine 336 with isoleucine.
Molecular consequence: missense variant.
Genome position (GRCh38, 1-based): chr17:78,570,285, C>T on the plus strand (G>A on the coding strand, the complement: DNAH17 is on the minus strand). VCF-style: chr17-78570285-C-T. GRCh37 (hg19) VCF-style: chr17-76566367-C-T.
Other names: short protein forms V336I.
Identifiers: ClinVar variation 2242105 (VCV002242105.4), dbSNP rs146026632, ClinGen allele CA8805374.
Genomic context (GRCh38, chr17:78,570,285, plus strand): 5'-CCAGGGGCCAGGGGAGGGTTACCATCTCGATGATTTGGTTGCAGAACTCCTGCAGGATGA[C>T]GATGATCCTGGCAGGTGTGTTATAGTACTCAGAGGTGGCCCAGATGAAGCAGATGGTGTC-3'
Protein context (NP_775899.3, residues 326-346): EYYNTPARII[Val336Ile]ILQEFCNQII